The following is an entry in ClinVar:

ClinVar aggregate classification (germline): Uncertain significance (1 of 4 stars; one submission).

Submission:

Labcorp Genetics (formerly Invitae), Labcorp
Classification: Uncertain significance. Last evaluated: 2025-05-28. Review status: criteria provided, single submitter. Criteria: Invitae Variant Classification Sherloc (09022015). Collection method: clinical testing. Allele origin: germline.
Comment: This sequence change replaces proline, which is neutral and non-polar, with alanine, which is neutral and non-polar, at codon 694 of the COL4A1 protein (p.Pro694Ala). This variant is not present in population databases (gnomAD no frequency). This variant has not been reported in the literature in individuals affected with COL4A1-related conditions. Invitae Evidence Modeling of protein sequence and biophysical properties (such as structural, functional, and spatial information, amino acid conservation, physicochemical variation, residue mobility, and thermodynamic stability) indicates that this missense variant is not expected to disrupt COL4A1 protein function with a negative predictive value of 95%. In summary, the available evidence is currently insufficient to determine the role of this variant in disease. Therefore, it has been classified as a Variant of Uncertain Significance.

NM_001845.6(COL4A1):c.2080C>G (p.Pro694Ala)

Gene: COL4A1 (collagen type IV alpha 1 chain; minus strand). Cytogenetic location: 13q34.
Variant type: single nucleotide variant.
Coding change: c.2080C>G on transcript NM_001845.6 (MANE Select); coding-DNA position 2080, C replaced by G.
Protein change: p.Pro694Ala; replaces proline 694 with alanine.
Molecular consequence: missense variant.
Genome position (GRCh38, 1-based): chr13:110,183,008, G>C on the plus strand (C>G on the coding strand, the complement: COL4A1 is on the minus strand). VCF-style: chr13-110183008-G-C. GRCh37 (hg19) VCF-style: chr13-110835355-G-C.
Other names: short protein forms P694A.
Identifiers: ClinVar variation 4691216 (VCV004691216.1).